The following is an entry in ClinVar:

ClinVar aggregate classification (germline): Benign/Likely benign. Review status: criteria provided, multiple submitters, no conflicts (2 of 4 stars). 3 submissions from 3 submitters: Benign (1); Likely benign (1). 1 of the submissions does not count toward it. Last evaluated 2024-05-29.

Conditions:
RNF213-related disorder. Also called: RNF213-related condition.

Allele frequency attached by ClinVar (database versions not stated): gnomAD 0.00008 and 0.00022; TOPMed 0.00043; ExAC 0.00062; gnomAD exomes 0.00063; 1000 Genomes Project 30x 0.00265; 1000 Genomes Project 0.00300.
gnomAD v4.1: 322 of 1,614,118 alleles (0.02%); highest among the groups gnomAD compares: East Asian, 0.48%; no homozygotes.

Submissions (3):

Blueprint Genetics
Classification: Likely benign. Last evaluated: 2024-05-29. Review status: criteria provided, single submitter. Criteria: ACMG Guidelines, 2015. Collection method: clinical testing. Allele origin: germline.

Labcorp Genetics (formerly Invitae), Labcorp
Classification: Benign. Last evaluated: 2024-05-25. Review status: criteria provided, single submitter. Criteria: Invitae Variant Classification Sherloc (09022015). Collection method: clinical testing. Allele origin: germline.

PreventionGenetics, part of Exact Sciences
Classification: Likely benign for RNF213-related condition. Last evaluated: 2021-01-13. Review status: no assertion criteria provided. Collection method: clinical testing. Allele origin: germline. Not counted in ClinVar's aggregate classification.
Comment: This variant is classified as likely benign based on ACMG/AMP sequence variant interpretation guidelines (Richards et al. 2015 PMID: 25741868, with internal and published modifications).

NM_001256071.3(RNF213):c.7920C>T (p.Asp2640=)

Gene: RNF213 (ring finger protein 213; plus strand). Cytogenetic location: 17q25.3.
Variant type: single nucleotide variant.
Coding change: c.7920C>T on transcript NM_001256071.3 (MANE Select); coding-DNA position 7920, C replaced by T.
Protein change: p.Asp2640=; no amino-acid change (aspartic acid 2640 retained).
Molecular consequence: synonymous variant.
Genome position (GRCh38, 1-based): chr17:80,346,255, C>T. VCF-style: chr17-80346255-C-T. GRCh37 (hg19) VCF-style: chr17-78320055-C-T.
Identifiers: ClinVar variation 732061 (VCV000732061.9), dbSNP rs144219136, ClinGen allele CA8820833.